The following is an entry in ClinVar:

NM_001130823.3(DNMT1):c.3595G>A (p.Gly1199Ser)

Gene: DNMT1 (DNA methyltransferase 1; minus strand). Cytogenetic location: 19p13.2.
Variant type: single nucleotide variant.
Coding change: c.3595G>A on transcript NM_001130823.3 (MANE Select); coding-DNA position 3595, G replaced by A.
Protein change: p.Gly1199Ser; replaces glycine 1199 with serine.
Molecular consequence: missense variant.
Genome position (GRCh38, 1-based): chr19:10,140,257, C>T on the plus strand (G>A on the coding strand, the complement: DNMT1 is on the minus strand). VCF-style: chr19-10140257-C-T. GRCh37 (hg19) VCF-style: chr19-10250933-C-T.
Other names: c.3595G>A (NM_001130823.2); c.3547G>A, p.Gly1183Ser (NM_001318730.2, NM_001379.4); c.3232G>A, p.Gly1078Ser (NM_001318731.2); short protein forms G1078S, G1199S, G1183S.
Identifiers: ClinVar variation 963838 (VCV000963838.39), dbSNP rs780717834, ClinGen allele CA9187702.

ClinVar aggregate classification (germline): Uncertain significance. Review status: criteria provided, multiple submitters, no conflicts (2 of 4 stars). 4 submissions from 4 submitters: Uncertain significance (4). Last evaluated 2026-06-16.

Conditions:
DNMT1-related disorder. Also called: DNMT1-related condition. Identifiers: MedGen CN381527.
Hereditary sensory neuropathy-deafness-dementia syndrome. Also called: Hereditary sensory neuropathy type IE; NEUROPATHY, HEREDITARY SENSORY, WITH HEARING LOSS AND DEMENTIA; Hereditary Sensory and Autonomic Neuropathy Type 1E (HSAN1E); HSN IE. Identifiers: Orphanet 456318, MedGen C3279885, MONDO:0013584, OMIM 614116.

Allele frequency attached by ClinVar (database versions not stated): ExAC 0.00002; gnomAD 0.00002; gnomAD exomes 0.00002 and 0.00004; TOPMed 0.00002.
gnomAD v4.1: 64 of 1,613,880 alleles (0.004%); highest among the groups gnomAD compares: Non-Finnish European, 0.0048%; no homozygotes.

Submissions (4):

PreventionGenetics, part of Exact Sciences
Classification: Uncertain significance for DNMT1-related condition. Last evaluated: 2026-06-16. Review status: criteria provided, single submitter. Criteria: ACMG Guidelines, 2015. Collection method: clinical testing. Allele origin: germline.
Comment: The DNMT1 c.3595G>A variant is predicted to result in the amino acid substitution p.Gly1199Ser. To our knowledge, this variant has not been reported in the literature. This variant is reported in 0.0065% of alleles in individuals of South Asian descent in gnomAD. At this time, the clinical significance of this variant is uncertain due to the absence of conclusive functional and genetic evidence.

Labcorp Genetics (formerly Invitae), Labcorp
Classification: Uncertain significance for Hereditary sensory neuropathy-deafness-dementia syndrome. Last evaluated: 2024-05-15. Review status: criteria provided, single submitter. Criteria: Invitae Variant Classification Sherloc (09022015). Collection method: clinical testing. Allele origin: germline.
Comment: This sequence change replaces glycine, which is neutral and non-polar, with serine, which is neutral and polar, at codon 1199 of the DNMT1 protein (p.Gly1199Ser). This variant is present in population databases (rs780717834, gnomAD 0.006%). This variant has not been reported in the literature in individuals affected with DNMT1-related conditions. ClinVar contains an entry for this variant (Variation ID: 963838). Advanced modeling of protein sequence and biophysical properties (such as structural, functional, and spatial information, amino acid conservation, physicochemical variation, residue mobility, and thermodynamic stability) performed at Invitae indicates that this missense variant is not expected to disrupt DNMT1 protein function with a negative predictive value of 80%. In summary, the available evidence is currently insufficient to determine the role of this variant in disease. Therefore, it has been classified as a Variant of Uncertain Significance.

CeGaT Center for Human Genetics Tuebingen
Classification: Uncertain significance. Last evaluated: 2023-04-01. Review status: criteria provided, single submitter. Criteria: CeGaT Center For Human Genetics Tuebingen Variant Classification Criteria Version 2. Collection method: clinical testing. Allele origin: germline. Affected: yes. Observed: 1 variant allele.
Comment: DNMT1: PM2:Supporting, PP2, BP4

GeneDx
Classification: Uncertain significance. Last evaluated: 2019-08-01. Review status: criteria provided, single submitter. Criteria: GeneDx Variant Classification Process June 2021. Collection method: clinical testing. Allele origin: germline. Affected: yes.
Comment: In silico analysis, which includes protein predictors and evolutionary conservation, supports a deleterious effect; Has not been previously published as pathogenic or benign to our knowledge; In-silico analysis, which includes splice predictors and evolutionary conservation, is inconclusive as to whether the variant alters gene splicing. In the absence of RNA/functional studies, the actual effect of this sequence change is unknown.